The following is an entry in ClinVar:

ClinVar aggregate classification (germline): Likely benign. Review status: criteria provided, multiple submitters, no conflicts (2 of 4 stars). 2 submissions from 2 submitters: Likely benign (2). Last evaluated 2026-08-01.

Conditions:
Inborn genetic diseases. Identifiers: MedGen C0950123, MeSH D030342.

Submissions (2):

CeGaT Center for Human Genetics Tuebingen
Classification: Likely benign. Last evaluated: 2026-08-01. Review status: criteria provided, single submitter. Criteria: CeGaT Center For Human Genetics Tuebingen Variant Classification Criteria Version 2. Collection method: clinical testing. Allele origin: germline. Affected: yes. Observed: 4 variant alleles.
Comment: TNRC6B: BS1

Ambry Genetics
Classification: Likely benign for Inborn genetic diseases. Last evaluated: 2022-03-31. Review status: criteria provided, single submitter. Criteria: Ambry Variant Classification Scheme 2023. Collection method: clinical testing. Allele origin: germline.

NM_001162501.2(TNRC6B):c.3961CAG[9] (p.Gln1328_Arg1329insGln)

Gene: TNRC6B (trinucleotide repeat containing adaptor 6B; plus strand). Cytogenetic location: 22q13.1.
Variant type: Microsatellite.
Coding change: c.3961CAG[9] on transcript NM_001162501.2 (MANE Select); nine copies in a row of the 3-base unit CAG starting at c.3961; the reference has eight copies in a row; one copy, 3 bases duplicated.
Protein change: p.Gln1328_Arg1329insGln.
Molecular consequence: inframe insertion.
Genome position (GRCh38, 1-based): chr22:40,301,195-40,301,197, CAG duplicated; duplicating any 3 consecutive bases within chr22:40,301,173-40,301,197 gives the same sequence; the position shown is the placement nearest the transcript's 3' end. VCF-style (leftmost placement, unchanged base first): chr22-40301172-T-TGCA. GRCh37 (hg19) VCF-style: chr22-40697176-T-TGCA.
Other names: c.1549CAG[9], p.Gln524_Arg525insGln (NM_001024843.2); c.3631CAG[9], p.Gln1218_Arg1219insGln (NM_015088.3).
Identifiers: ClinVar variation 2356708 (VCV002356708.26), dbSNP rs139908, ClinGen allele CA10247195.